The following is an entry in ClinVar:

ClinVar aggregate classification (germline): Pathogenic/Likely pathogenic. Review status: criteria provided, multiple submitters, no conflicts (2 of 4 stars). 2 submissions from 2 submitters: Pathogenic (1); Likely pathogenic (1). Last evaluated 2023-07-20.

Conditions:
Bardet-Biedl syndrome 14 (BBS14). Identifiers: Orphanet 110, MedGen C2673874, MONDO:0014442, OMIM 615991.
Joubert syndrome. Also called: CEREBELLOPARENCHYMAL DISORDER IV; JOUBERT-BOLTSHAUSER SYNDROME; Familial aplasia of the vermis. Identifiers: Orphanet 475, MedGen C5979921, MONDO:0018772.
Nephronophthisis. Also called: Juvenile Nephronophthisis. Identifiers: Orphanet 655, MedGen C0687120, MONDO:0019005, HP:0000090.
Meckel-Gruber syndrome. Also called: DYSENCEPHALIA SPLANCHNOCYSTICA; GRUBER SYNDROME; Dysencephalia splachnocystica. Identifiers: Orphanet 564, MedGen C0265215, MONDO:0018921.

Submissions (2):

Baylor Genetics
Classification: Likely pathogenic for Bardet-Biedl syndrome 14. Last evaluated: 2023-07-20. Review status: criteria provided, single submitter. Criteria: ACMG Guidelines, 2015. Collection method: clinical testing. Allele origin: unknown.

Labcorp Genetics (formerly Invitae), Labcorp
Classification: Pathogenic for Joubert syndrome; Meckel-Gruber syndrome; Nephronophthisis. Last evaluated: 2023-01-06. Review status: criteria provided, single submitter. Criteria: Invitae Variant Classification Sherloc (09022015). Collection method: clinical testing. Allele origin: germline.
Comment: For these reasons, this variant has been classified as Pathogenic. This variant has not been reported in the literature in individuals affected with CEP290-related conditions. This variant is not present in population databases (gnomAD no frequency). This sequence change creates a premature translational stop signal (p.Asp978Alafs*26) in the CEP290 gene. It is expected to result in an absent or disrupted protein product. Loss-of-function variants in CEP290 are known to be pathogenic (PMID: 16909394, 17345604, 20690115).

Literature cited by the submitters: PubMed 16909394 (cited by Labcorp Genetics (formerly Invitae), Labcorp); PubMed 17345604 (cited by Labcorp Genetics (formerly Invitae), Labcorp); PubMed 20690115 (cited by Labcorp Genetics (formerly Invitae), Labcorp).

NM_025114.4(CEP290):c.2933del (p.Asp978fs)

Gene: CEP290 (centrosomal protein 290; minus strand). Cytogenetic location: 12q21.32.
Variant type: Deletion.
Coding change: c.2933del on transcript NM_025114.4 (MANE Select); coding-DNA position 2933, one base deleted (A; older notation c.2933delA).
Protein change: p.Asp978fs; shifts the reading frame from aspartic acid 978.
Molecular consequence: frameshift variant.
Genome position (GRCh38, 1-based): chr12:88,102,896, T deleted on the plus strand (A on the coding strand, the reverse complement: CEP290 is on the minus strand). VCF-style (leftmost placement, unchanged base first): chr12-88102895-GT-G. GRCh37 (hg19) VCF-style: chr12-88496672-GT-G.
Other names: short protein forms D978fs.
Identifiers: ClinVar variation 2680600 (VCV002680600.4), dbSNP rs2500524863, ClinGen allele CA2620108491.
Genomic context (GRCh38, chr12:88,102,895, plus strand): 5'-TACCTCCAGGTGTTCCAAGTTACTTGTTCTTTGAACAAGCATATTATCTTTTTGCAAGAT[GT>G]CCCTGTACTTAGCAGTCAGTTCATTGTACTGTTTATTAGCCAGTTCTAGTTCAGACAAAG-3'